The following is an entry in ClinVar:

ClinVar aggregate classification (germline): Uncertain significance (1 of 4 stars; one submission).

Conditions:
Myofibrillar myopathy 5. Also called: Filaminopathy (type); FILAMINOPATHY, AUTOSOMAL DOMINANT. Identifiers: Orphanet 171445, MedGen C1836050, MONDO:0012289, OMIM 609524.
Hypertrophic cardiomyopathy 26. Also called: Cardiomyopathy, familial hypertrophic, 26. Identifiers: Orphanet 75249, MedGen C4310749, MONDO:0014883, OMIM 617047.
Distal myopathy with posterior leg and anterior hand involvement. Also called: WILLIAMS DISTAL MYOPATHY. Identifiers: Orphanet 63273, MedGen C3279722, MONDO:0013550, OMIM 614065.

Submission:

Labcorp Genetics (formerly Invitae), Labcorp
Classification: Uncertain significance for Distal myopathy with posterior leg and anterior hand involvement; Myofibrillar myopathy 5; Hypertrophic cardiomyopathy 26. Last evaluated: 2022-10-22. Review status: criteria provided, single submitter. Criteria: Invitae Variant Classification Sherloc (09022015). Collection method: clinical testing. Allele origin: germline.
Comment: In summary, the available evidence is currently insufficient to determine the role of this variant in disease. Therefore, it has been classified as a Variant of Uncertain Significance. This sequence change replaces arginine, which is basic and polar, with glycine, which is neutral and non-polar, at codon 420 of the FLNC protein (p.Arg420Gly). This variant is not present in population databases (gnomAD no frequency). This variant has not been reported in the literature in individuals affected with FLNC-related conditions. Advanced modeling of protein sequence and biophysical properties (such as structural, functional, and spatial information, amino acid conservation, physicochemical variation, residue mobility, and thermodynamic stability) performed at Invitae indicates that this missense variant is not expected to disrupt FLNC protein function.

NM_001458.5(FLNC):c.1258C>G (p.Arg420Gly)

Gene: FLNC (filamin C; plus strand). Cytogenetic location: 7q32.1.
Variant type: single nucleotide variant.
Coding change: c.1258C>G on transcript NM_001458.5 (MANE Select); coding-DNA position 1258, C replaced by G.
Protein change: p.Arg420Gly; replaces arginine 420 with glycine.
Molecular consequence: missense variant.
Genome position (GRCh38, 1-based): chr7:128,838,650, C>G. VCF-style: chr7-128838650-C-G. GRCh37 (hg19) VCF-style: chr7-128478704-C-G.
Other names: c.1258C>G, p.Arg420Gly (NM_001127487.2); short protein forms R420G.
Identifiers: ClinVar variation 1979696 (VCV001979696.4), dbSNP rs766755439, ClinGen allele CA369224471.